The following is an entry in ClinVar:

ClinVar aggregate classification (germline): Uncertain significance. Review status: criteria provided, multiple submitters, no conflicts (2 of 4 stars). 4 submissions from 4 submitters: Uncertain significance (4). Last evaluated 2024-12-03.

Conditions:
Inborn genetic diseases. Identifiers: MedGen C0950123, MeSH D030342.

Allele frequency attached by ClinVar (database versions not stated): gnomAD exomes 0.00001 and 0.00002; ExAC 0.00002; 1000 Genomes Project 30x 0.00016; gnomAD 0.00016 and 0.00017; TOPMed 0.00017; ESP Exome Variant Server 0.00023.
gnomAD v4.1: 35 of 1,614,164 alleles (0.0022%); highest among the groups gnomAD compares: African/African-American, 0.045%; no homozygotes.

Submissions (4):

Ambry Genetics
Classification: Uncertain significance for Inborn genetic diseases. Last evaluated: 2024-12-03. Review status: criteria provided, single submitter. Criteria: Ambry Variant Classification Scheme 2023. Collection method: clinical testing. Allele origin: germline.

Labcorp Genetics (formerly Invitae), Labcorp
Classification: Uncertain significance. Last evaluated: 2022-08-16. Review status: criteria provided, single submitter. Criteria: Invitae Variant Classification Sherloc (09022015). Collection method: clinical testing. Allele origin: germline.
Comment: This sequence change replaces valine, which is neutral and non-polar, with alanine, which is neutral and non-polar, at codon 710 of the TJP2 protein (p.Val710Ala). This variant is present in population databases (rs150440380, gnomAD 0.05%). This variant has not been reported in the literature in individuals affected with TJP2-related conditions. ClinVar contains an entry for this variant (Variation ID: 165412). Algorithms developed to predict the effect of missense changes on protein structure and function (SIFT, PolyPhen-2, Align-GVGD) all suggest that this variant is likely to be tolerated. In summary, the available evidence is currently insufficient to determine the role of this variant in disease. Therefore, it has been classified as a Variant of Uncertain Significance.

GeneDx
Classification: Uncertain significance. Last evaluated: 2019-09-19. Review status: criteria provided, single submitter. Criteria: GeneDx Variant Classification Process June 2021. Collection method: clinical testing. Allele origin: germline. Affected: yes.
Comment: In silico analysis, which includes protein predictors and evolutionary conservation, supports that this variant does not alter protein structure/function; Has not been previously published as pathogenic or benign to our knowledge

Laboratory for Molecular Medicine, Mass General Brigham Personalized Medicine
Classification: Uncertain significance. Last evaluated: 2014-04-04. Review status: criteria provided, single submitter. Criteria: LMM Criteria. Collection method: clinical testing. Allele origin: germline. Observed: 1 variant allele.
Comment: Variant classified as Uncertain Significance - Favor Benign. The Val687Ala varia nt in TJP2 has not been previously reported in individuals with hearing loss, bu t has been identified in 0.07% (3/4406) of African American chromosomes by the N HLBI Exome Sequencing Project (dbSNP rs150440 380). Computational prediction tools and conservation analyses suggest that the Val687Ala variant may not impact the protein, though this information is not pre dictive enough to rule out pathogenicity. In summary, the clinical significance of this variant cannot be determined with certainty; however based upon its pres ence in the general population and the computational and conservation data, we w ould lean towards a more likely benign role.

NM_004817.4(TJP2):c.2129T>C (p.Val710Ala)

Gene: TJP2 (tight junction protein 2; plus strand). Cytogenetic location: 9q21.11.
Variant type: single nucleotide variant.
Coding change: c.2129T>C on transcript NM_004817.4 (MANE Select); coding-DNA position 2129, T replaced by C.
Protein change: p.Val710Ala; replaces valine 710 with alanine.
Molecular consequence: missense variant.
Genome position (GRCh38, 1-based): chr9:69,237,086, T>C. VCF-style: chr9-69237086-T-C. GRCh37 (hg19) VCF-style: chr9-71852002-T-C.
Other names: c.2060T>C, p.Val687Ala (NM_001170414.2, NM_001369871.1); c.2141T>C, p.Val714Ala (NM_001170415.1, NM_001369874.1, NM_001369875.1); c.2222T>C, p.Val741Ala (NM_001170416.2); c.2054T>C, p.Val685Ala (NM_001369870.1); c.2129T>C, p.Val710Ala (NM_001369872.1, NM_001369873.1, NM_201629.3); c.2129T>C (NM_004817.3); short protein forms V687A, V710A, V741A, V714A, V685A.
Identifiers: ClinVar variation 165412 (VCV000165412.9), dbSNP rs150440380, ClinGen allele CA178171.